The following is an entry in ClinVar:

ClinVar aggregate classification (germline): Likely pathogenic (0 of 4 stars; one submission).

Conditions:
CIC-related disorder. Also called: CIC-related condition.

Allele frequency attached by ClinVar (database versions not stated): gnomAD exomes below 0.00001; TOPMed below 0.00001; gnomAD 0.00001.
gnomAD v4.1: 2 of 1,613,972 alleles (0.00012%); highest among the groups gnomAD compares: Non-Finnish European, 0.00017%; no homozygotes.

Submission:

PreventionGenetics, part of Exact Sciences
Classification: Likely pathogenic for CIC-related condition. Last evaluated: 2024-09-13. Review status: no assertion criteria provided. Collection method: clinical testing. Allele origin: germline.
Comment: The CIC c.1490C>T variant is predicted to result in the amino acid substitution p.Pro497Leu. To our knowledge, this variant has not been reported in the literature. This variant is reported in 0.00088% of alleles (one heterozygote) in individuals of European (non-Finnish) descent in gnomAD; however, variable severity has been reported with the condition (OMIM: #617600). This variant is interpreted as likely pathogenic.

NM_001386298.1(CIC):c.4217C>T (p.Pro1406Leu)

Gene: CIC (capicua transcriptional repressor; plus strand). Cytogenetic location: 19q13.2.
Variant type: single nucleotide variant.
Coding change: c.4217C>T on transcript NM_001386298.1 (MANE Select); coding-DNA position 4217, C replaced by T.
Protein change: p.Pro1406Leu; replaces proline 1406 with leucine.
Molecular consequence: missense variant.
Genome position (GRCh38, 1-based): chr19:42,290,258, C>T. VCF-style: chr19-42290258-C-T. GRCh37 (hg19) VCF-style: chr19-42794410-C-T.
Other names: c.4217C>T, p.Pro1406Leu (NM_001304815.2, NM_001379480.1, NM_001379482.1 and 1 more transcripts); c.1490C>T, p.Pro497Leu (NM_001379484.1, NM_001379485.1, NM_015125.5); short protein forms P1406L, P497L.
Identifiers: ClinVar variation 2633210 (VCV002633210.2), dbSNP rs951320175, ClinGen allele CA308629605.